The following is an entry in ClinVar:

NM_006231.4(POLE):c.1255G>T (p.Val419Leu)

Gene: POLE (DNA polymerase epsilon, catalytic subunit; minus strand). Cytogenetic location: 12q24.33.
Variant type: single nucleotide variant.
Coding change: c.1255G>T on transcript NM_006231.4 (MANE Select); coding-DNA position 1255, G replaced by T.
Protein change: p.Val419Leu; replaces valine 419 with leucine.
Molecular consequence: missense variant.
Genome position (GRCh38, 1-based): chr12:132,673,679, C>A on the plus strand (G>T on the coding strand, the complement: POLE is on the minus strand). VCF-style: chr12-132673679-C-A. GRCh37 (hg19) VCF-style: chr12-133250265-C-A.
Other names: short protein forms V419L.
Identifiers: ClinVar variation 818712 (VCV000818712.5), dbSNP rs1211013221, ClinGen allele CA387359624.

ClinVar aggregate classification (germline): Uncertain significance (1 of 4 stars; one submission).

Conditions:
Hereditary cancer-predisposing syndrome. Also called: Tumor predisposition; Neoplastic Syndromes, Hereditary; Hereditary Cancer Syndrome; Hereditary neoplastic syndrome. Identifiers: Orphanet 140162, MedGen C0027672, MeSH D009386, MONDO:0015356.

Allele frequency attached by ClinVar (database versions not stated): gnomAD exomes below 0.00001.
gnomAD v4.1: 1 of 1,614,026 alleles (0.000062%); highest among the groups gnomAD compares: Non-Finnish European, 0.000085%; no homozygotes.

Submission:

Ambry Genetics
Classification: Uncertain significance for Hereditary cancer-predisposing syndrome. Last evaluated: 2026-01-14. Review status: criteria provided, single submitter. Criteria: Ambry Variant Classification Scheme 2023. Collection method: clinical testing. Allele origin: germline.
Comment: The p.V419L variant (also known as c.1255G>T), located in coding exon 13 of the POLE gene, results from a G to T substitution at nucleotide position 1255. The valine at codon 419 is replaced by leucine, an amino acid with highly similar properties. This amino acid position is highly conserved in available vertebrate species. In addition, the in silico prediction for this alteration is inconclusive. Based on the available evidence, the clinical significance of this variant remains unclear.